The following is an entry in ClinVar:

NM_032656.4(DHX37):c.1343C>T (p.Pro448Leu)

Gene: DHX37 (DEAH-box helicase 37; minus strand). Cytogenetic location: 12q24.31.
Variant type: single nucleotide variant.
Coding change: c.1343C>T on transcript NM_032656.4 (MANE Select); coding-DNA position 1343, C replaced by T.
Protein change: p.Pro448Leu; replaces proline 448 with leucine.
Molecular consequence: missense variant.
Genome position (GRCh38, 1-based): chr12:124,968,599, G>A on the plus strand (C>T on the coding strand, the complement: DHX37 is on the minus strand). VCF-style: chr12-124968599-G-A. GRCh37 (hg19) VCF-style: chr12-125453145-G-A.
Other names: short protein forms P448L.
Identifiers: ClinVar variation 2523116 (VCV002523116.4), dbSNP rs772028476, ClinGen allele CA6872067.
Genomic context (GRCh38, chr12:124,968,599, plus strand): 5'-GGCAGCATCCGGTGGATCTTGCAGACCTTCCGGAAGCACTCGCCACTGTAGTCTTCCAGC[G>A]GTGTCCGCTTGTTGAAATGCACAGTCACTGGGAACTGCCTGGATTCCACCTGTGGGACGC-3'
Protein context (NP_116045.2, residues 438-458): PVTVHFNKRT[Pro448Leu]LEDYSGECFR

ClinVar aggregate classification (germline): Uncertain significance. Review status: criteria provided, multiple submitters, no conflicts (2 of 4 stars). 2 submissions from 2 submitters: Uncertain significance (2). Last evaluated 2025-10-02.

Conditions:
Inborn genetic diseases. Identifiers: MedGen C0950123, MeSH D030342.

Allele frequency attached by ClinVar (database versions not stated): ExAC 0.00001; gnomAD 0.00006; gnomAD exomes 0.00008; TOPMed 0.00009.
gnomAD v4.1: 134 of 1,614,010 alleles (0.0083%); highest among the groups gnomAD compares: Middle Eastern, 0.066%; 1 homozygote.

Submissions (2):

Labcorp Genetics (formerly Invitae), Labcorp
Classification: Uncertain significance. Last evaluated: 2025-10-02. Review status: criteria provided, single submitter. Criteria: Invitae Variant Classification Sherloc (09022015). Collection method: clinical testing. Allele origin: germline.
Comment: This sequence change replaces proline, which is neutral and non-polar, with leucine, which is neutral and non-polar, at codon 448 of the DHX37 protein (p.Pro448Leu). This variant is present in population databases (rs772028476, gnomAD 0.006%), including at least one homozygous and/or hemizygous individual. This variant has not been reported in the literature in individuals affected with DHX37-related conditions. ClinVar contains an entry for this variant (Variation ID: 2523116). Invitae Evidence Modeling of protein sequence and biophysical properties (such as structural, functional, and spatial information, amino acid conservation, physicochemical variation, residue mobility, and thermodynamic stability) has been performed for this missense variant. However, the output from this modeling did not meet the statistical confidence thresholds required to predict the impact of this variant on DHX37 protein function. In summary, the available evidence is currently insufficient to determine the role of this variant in disease. Therefore, it has been classified as a Variant of Uncertain Significance.

Ambry Genetics
Classification: Uncertain significance for Inborn genetic diseases. Last evaluated: 2025-07-16. Review status: criteria provided, single submitter. Criteria: Ambry Variant Classification Scheme 2023. Collection method: clinical testing. Allele origin: germline.